The following is an entry in ClinVar:

NM_000784.4(CYP27A1):c.884C>T (p.Ala295Val)

Gene: CYP27A1 (cytochrome P450 family 27 subfamily A member 1; plus strand). Cytogenetic location: 2q35.
Variant type: single nucleotide variant.
Coding change: c.884C>T on transcript NM_000784.4 (MANE Select); coding-DNA position 884, C replaced by T.
Protein change: p.Ala295Val; replaces alanine 295 with valine.
Molecular consequence: missense variant.
Genome position (GRCh38, 1-based): chr2:218,812,963, C>T. VCF-style: chr2-218812963-C-T. GRCh37 (hg19) VCF-style: chr2-219677686-C-T.
Other names: c.884C>T (NM_000784.3); short protein forms A295V.
Identifiers: ClinVar variation 809160 (VCV000809160.45), dbSNP rs1417655712, ClinGen allele CA350588193.

ClinVar aggregate classification (germline): Uncertain significance. Review status: criteria provided, multiple submitters, no conflicts (2 of 4 stars). 3 submissions from 3 submitters: Uncertain significance (3). Last evaluated 2026-06-09.

Conditions:
Cholestanol storage disease (CTX). Also called: Cerebrotendinous Xanthomatosis; CTX: Cerebrotendinous xanthomatosis; CEREBRAL CHOLESTERINOSIS. Identifiers: Orphanet 909, MedGen C0238052, MONDO:0008948, OMIM 213700.
Cardiovascular phenotype. Identifiers: MedGen CN230736.

gnomAD v4.1: 2 of 1,614,244 alleles (0.00012%); highest among the groups gnomAD compares: Non-Finnish European, 0.000085%; no homozygotes.

Submissions (3):

Ambry Genetics
Classification: Uncertain significance for Cardiovascular phenotype. Last evaluated: 2026-06-09. Review status: criteria provided, single submitter. Criteria: Ambry Variant Classification Scheme 2023. Collection method: clinical testing. Allele origin: germline.
Comment: The p.A295V variant (also known as c.884C>T), located in coding exon 5 of the CYP27A1 gene, results from a C to T substitution at nucleotide position 884. The alanine at codon 295 is replaced by valine, an amino acid with similar properties. This amino acid position is conserved. In addition, this alteration is predicted to be tolerated by in silico analysis. Based on the available evidence, the clinical significance of this variant remains unclear.

Labcorp Genetics (formerly Invitae), Labcorp
Classification: Uncertain significance for Cholestanol storage disease. Last evaluated: 2021-08-16. Review status: criteria provided, single submitter. Criteria: Invitae Variant Classification Sherloc (09022015). Collection method: clinical testing. Allele origin: germline.
Comment: This sequence change replaces alanine with valine at codon 295 of the CYP27A1 protein (p.Ala295Val). The alanine residue is moderately conserved and there is a small physicochemical difference between alanine and valine. This variant is not present in population databases (ExAC no frequency). This variant has not been reported in the literature in individuals affected with CYP27A1-related conditions. ClinVar contains an entry for this variant (Variation ID: 809160). Advanced modeling of protein sequence and biophysical properties (such as structural, functional, and spatial information, amino acid conservation, physicochemical variation, residue mobility, and thermodynamic stability) performed at Invitae indicates that this missense variant is not expected to disrupt CYP27A1 protein function. In summary, the available evidence is currently insufficient to determine the role of this variant in disease. Therefore, it has been classified as a Variant of Uncertain Significance.

CeGaT Center for Human Genetics Tuebingen
Classification: Uncertain significance. Last evaluated: 2016-05-01. Review status: criteria provided, single submitter. Criteria: CeGaT Center For Human Genetics Tuebingen Variant Classification Criteria Version 2. Collection method: clinical testing. Allele origin: germline. Affected: yes. Observed: 1 variant allele.